The following is an entry in ClinVar:

NM_014425.5(INVS):c.2818C>T (p.Arg940Trp)

Gene: INVS (inversin; plus strand). Cytogenetic location: 9q31.1.
Variant type: single nucleotide variant.
Coding change: c.2818C>T on transcript NM_014425.5 (MANE Select); coding-DNA position 2818, C replaced by T.
Protein change: p.Arg940Trp; replaces arginine 940 with tryptophan.
Molecular consequence: missense variant. On other transcripts: non-coding transcript variant (1).
Genome position (GRCh38, 1-based): chr9:100,296,948, C>T. VCF-style: chr9-100296948-C-T. GRCh37 (hg19) VCF-style: chr9-103059230-C-T.
Other names: c.2530C>T, p.Arg844Trp (NM_001318381.2); c.1840C>T, p.Arg614Trp (NM_001318382.2); c.2818C>T (NM_014425.2); short protein forms R940W, R614W, R844W.
Identifiers: ClinVar variation 1983719 (VCV001983719.3), dbSNP rs116654016, ClinGen allele CA5158720.
Genomic context (GRCh38, chr9:100,296,948, plus strand): 5'-AAGCCTCTCCTCTCCTCTGACCCAACCAGCTACCAGCTCAGGAAGCACCTGTCCCACCTT[C>T]GGCATATGAAGCAGCTTGGAGCTGGAGATGTGGACAGATGGAGGCAAGAGTCTACAGCAT-3'
Protein context (NP_055240.2, residues 930-950): YQLRKHLSHL[Arg940Trp]HMKQLGAGDV

ClinVar aggregate classification (germline): Uncertain significance. Review status: criteria provided, multiple submitters, no conflicts (2 of 4 stars). 2 submissions from 2 submitters: Uncertain significance (2). Last evaluated 2023-04-13.

Conditions:
Inborn genetic diseases. Identifiers: MedGen C0950123, MeSH D030342.
Nephronophthisis. Also called: Juvenile Nephronophthisis. Identifiers: Orphanet 655, MedGen C0687120, MONDO:0019005, HP:0000090.

Allele frequency attached by ClinVar (database versions not stated): ExAC 0.00001; gnomAD 0.00001; gnomAD exomes 0.00002; TOPMed 0.00002.
gnomAD v4.1: 30 of 1,613,938 alleles (0.0019%); highest among the groups gnomAD compares: East Asian, 0.0022%; no homozygotes.

Submissions (2):

Ambry Genetics
Classification: Uncertain significance for Inborn genetic diseases. Last evaluated: 2023-04-13. Review status: criteria provided, single submitter. Criteria: Ambry Variant Classification Scheme 2023. Collection method: clinical testing. Allele origin: germline.

Labcorp Genetics (formerly Invitae), Labcorp
Classification: Uncertain significance for Nephronophthisis. Last evaluated: 2022-05-25. Review status: criteria provided, single submitter. Criteria: Invitae Variant Classification Sherloc (09022015). Collection method: clinical testing. Allele origin: germline.
Comment: This sequence change replaces arginine, which is basic and polar, with tryptophan, which is neutral and slightly polar, at codon 940 of the INVS protein (p.Arg940Trp). This variant is present in population databases (rs116654016, gnomAD 0.006%). This variant has not been reported in the literature in individuals affected with INVS-related conditions. Algorithms developed to predict the effect of missense changes on protein structure and function are either unavailable or do not agree on the potential impact of this missense change (SIFT: "Deleterious"; PolyPhen-2: "Benign"; Align-GVGD: "Class C0"). Algorithms developed to predict the effect of sequence changes on RNA splicing suggest that this variant may disrupt the consensus splice site. In summary, the available evidence is currently insufficient to determine the role of this variant in disease. Therefore, it has been classified as a Variant of Uncertain Significance.